The following is an entry in ClinVar:

NM_000204.5(CFI):c.1099G>A (p.Gly367Arg)

Gene: CFI (complement factor I; minus strand). Cytogenetic location: 4q25.
Variant type: single nucleotide variant.
Coding change: c.1099G>A on transcript NM_000204.5 (MANE Select); coding-DNA position 1099, G replaced by A.
Protein change: p.Gly367Arg; replaces glycine 367 with arginine.
Molecular consequence: missense variant. On other transcripts: non-coding transcript variant (3).
Genome position (GRCh38, 1-based): chr4:109,749,267, C>T on the plus strand (G>A on the coding strand, the complement: CFI is on the minus strand). VCF-style: chr4-109749267-C-T. GRCh37 (hg19) VCF-style: chr4-110670423-C-T.
Other names: c.1123G>A, p.Gly375Arg (NM_001318057.2, NM_001375278.1); c.1078G>A, p.Gly360Arg (NM_001331035.2, NM_001375280.1, NM_001375282.1); c.1099G>A, p.Gly367Arg (NM_001375279.1, NM_001375281.1); c.1042G>A, p.Gly348Arg (NM_001375283.1); c.490G>A, p.Gly164Arg (NM_001375284.1); short protein forms G348R, G164R, G360R, G375R, G367R.
Identifiers: ClinVar variation 2116500 (VCV002116500.4), dbSNP rs2545386393, ClinGen allele CA357858770.
Genomic context (GRCh38, chr4:109,749,267, plus strand): 5'-ACATCTTTTACCTGAGACAATGTGCAGCAGTCAGAATCCAACAGCCACCAATATAAATTC[C>T]CCCACAGGTGATTCCACTGGCATCCTTAATTGCCACCTGCCATGGGAGGTCTCCCTGTAA-3'
Protein context (NP_000195.3, residues 357-377): IKDASGITCG[Gly367Arg]IYIGGCWILT

ClinVar aggregate classification (germline): Uncertain significance (1 of 4 stars; one submission).

Submission:

Labcorp Genetics (formerly Invitae), Labcorp
Classification: Uncertain significance. Last evaluated: 2022-03-28. Review status: criteria provided, single submitter. Criteria: Invitae Variant Classification Sherloc (09022015). Collection method: clinical testing. Allele origin: germline.
Comment: This sequence change replaces glycine, which is neutral and non-polar, with arginine, which is basic and polar, at codon 367 of the CFI protein (p.Gly367Arg). In summary, the available evidence is currently insufficient to determine the role of this variant in disease. Therefore, it has been classified as a Variant of Uncertain Significance. Advanced modeling of protein sequence and biophysical properties (such as structural, functional, and spatial information, amino acid conservation, physicochemical variation, residue mobility, and thermodynamic stability) performed at Invitae indicates that this missense variant is expected to disrupt CFI protein function. This variant has not been reported in the literature in individuals affected with CFI-related conditions. This variant is not present in population databases (gnomAD no frequency).